The following is an entry in ClinVar:

ClinVar aggregate classification (germline): Uncertain significance (1 of 4 stars; one submission).

Submission:

GeneDx
Classification: Uncertain significance. Last evaluated: 2022-03-30. Review status: criteria provided, single submitter. Criteria: GeneDx Variant Classification Process June 2021. Collection method: clinical testing. Allele origin: germline. Affected: yes.
Comment: Not observed at significant frequency in large population cohorts (gnomAD); In silico analysis supports a deleterious effect on protein structure/function; Has not been previously published as pathogenic or benign to our knowledge

NM_182895.5(SCARF2):c.1641CTC[1] (p.Ser549del)

Gene: SCARF2 (scavenger receptor class F member 2; minus strand). Cytogenetic location: 22q11.21.
Variant type: Microsatellite.
Coding change: c.1641CTC[1] on transcript NM_182895.5 (MANE Select); one copy of the 3-base unit CTC starting at c.1641; the reference has two copies in a row; one copy, 3 bases deleted.
Protein change: p.Ser549del; deletes serine 549.
Molecular consequence: inframe deletion.
Genome position (GRCh38, 1-based): chr22:20,427,445-20,427,447, GAG deleted on the plus strand (CTC on the coding strand, the reverse complement: SCARF2 is on the minus strand); deleting any 3 consecutive bases within chr22:20,427,445-20,427,450 gives the same sequence; the position shown is the placement nearest the transcript's 3' end. VCF-style (leftmost placement, unchanged base first): chr22-20427444-CGAG-C. GRCh37 (hg19) VCF-style: chr22-20781731-CGAG-C.
Other names: c.1656CTC[1], p.Ser554del (NM_153334.7); short protein forms S549del, S554del.
Identifiers: ClinVar variation 1710634 (VCV001710634.2), dbSNP rs1569106538, ClinGen allele CA638941002.